The following is an entry in ClinVar:

ClinVar aggregate classification (germline): Uncertain significance (1 of 4 stars; one submission).

Conditions:
Cardiovascular phenotype. Identifiers: MedGen CN230736.

Submission:

Ambry Genetics
Classification: Uncertain significance for Cardiovascular phenotype. Last evaluated: 2025-01-04. Review status: criteria provided, single submitter. Criteria: Ambry Variant Classification Scheme 2023. Collection method: clinical testing. Allele origin: germline.
Comment: The p.R60L variant (also known as c.179G>T), located in coding exon 1 of the KCND3 gene, results from a G to T substitution at nucleotide position 179. The arginine at codon 60 is replaced by leucine, an amino acid with dissimilar properties. This amino acid position is conserved. In addition, the in silico prediction for this alteration is inconclusive. Based on the available evidence, the clinical significance of this variant remains unclear.

NM_001378969.1(KCND3):c.179G>T (p.Arg60Leu)

Gene: KCND3 (potassium voltage-gated channel subfamily D member 3; minus strand). Cytogenetic location: 1p13.2.
Variant type: single nucleotide variant.
Coding change: c.179G>T on transcript NM_001378969.1 (MANE Select); coding-DNA position 179, G replaced by T.
Protein change: p.Arg60Leu; replaces arginine 60 with leucine.
Molecular consequence: missense variant.
Genome position (GRCh38, 1-based): chr1:111,982,548, C>A on the plus strand (G>T on the coding strand, the complement: KCND3 is on the minus strand). VCF-style: chr1-111982548-C-A. GRCh37 (hg19) VCF-style: chr1-112525170-C-A.
Other names: c.179G>T, p.Arg60Leu (NM_001378970.1, NM_004980.5, NM_172198.3); short protein forms R60L.
Identifiers: ClinVar variation 3862701 (VCV003862701.1).